The following is an entry in ClinVar:

ClinVar aggregate classification (germline): Uncertain significance. Review status: criteria provided, multiple submitters, no conflicts (2 of 4 stars). 3 submissions from 3 submitters: Uncertain significance (3). Last evaluated 2025-05-19.

Conditions:
Nephronophthisis. Also called: Juvenile Nephronophthisis. Identifiers: Orphanet 655, MedGen C0687120, MONDO:0019005, HP:0000090.
Senior-Loken syndrome 4 (SLSN4). Identifiers: Orphanet 3156, MedGen C1846979, MONDO:0011756, OMIM 606996.
Nephronophthisis 4 (NPHP4). Also called: NEPHRONOPHTHISIS 4, JUVENILE. Identifiers: Orphanet 655, MedGen C1847013, MONDO:0011752, OMIM 606966.
Inborn genetic diseases. Identifiers: MedGen C0950123, MeSH D030342.

Allele frequency attached by ClinVar (database versions not stated): gnomAD 0.00001; gnomAD exomes 0.00001 and 0.00002; TOPMed 0.00001; ExAC 0.00002.

Submissions (3):

Ambry Genetics
Classification: Uncertain significance for Inborn genetic diseases. Last evaluated: 2025-05-19. Review status: criteria provided, single submitter. Criteria: Ambry Variant Classification Scheme 2023. Collection method: clinical testing. Allele origin: germline.

Labcorp Genetics (formerly Invitae), Labcorp
Classification: Uncertain significance for Nephronophthisis. Last evaluated: 2022-08-21. Review status: criteria provided, single submitter. Criteria: Invitae Variant Classification Sherloc (09022015). Collection method: clinical testing. Allele origin: germline.
Comment: This sequence change replaces tryptophan, which is neutral and slightly polar, with arginine, which is basic and polar, at codon 37 of the NPHP4 protein (p.Trp37Arg). This variant is present in population databases (rs770741381, gnomAD 0.01%). This variant has not been reported in the literature in individuals affected with NPHP4-related conditions. ClinVar contains an entry for this variant (Variation ID: 1024838). Algorithms developed to predict the effect of missense changes on protein structure and function (SIFT, PolyPhen-2, Align-GVGD) all suggest that this variant is likely to be tolerated. In summary, the available evidence is currently insufficient to determine the role of this variant in disease. Therefore, it has been classified as a Variant of Uncertain Significance.

Fulgent Genetics
Classification: Uncertain significance for Nephronophthisis 4; Senior-Loken syndrome 4. Last evaluated: 2022-01-08. Review status: criteria provided, single submitter. Criteria: ACMG Guidelines, 2015. Collection method: clinical testing. Allele origin: unknown.

NM_015102.5(NPHP4):c.109T>C (p.Trp37Arg)

Gene: NPHP4 (nephrocystin 4; minus strand). Cytogenetic location: 1p36.31.
Variant type: single nucleotide variant.
Coding change: c.109T>C on transcript NM_015102.5 (MANE Select); coding-DNA position 109, T replaced by C.
Protein change: p.Trp37Arg; replaces tryptophan 37 with arginine.
Molecular consequence: missense variant. On other transcripts: 5 prime UTR variant (1), non-coding transcript variant (1), intron variant (1).
Genome position (GRCh38, 1-based): chr1:5,986,181, A>G on the plus strand (T>C on the coding strand, the complement: NPHP4 is on the minus strand). VCF-style: chr1-5986181-A-G. GRCh37 (hg19) VCF-style: chr1-6046241-A-G.
Other names: c.-1121T>C (NM_001291593.2); c.-1088+6063T>C (NM_001291594.2); c.109T>C (NM_015102.3); short protein forms W37R.
Identifiers: ClinVar variation 1024838 (VCV001024838.8), dbSNP rs770741381, ClinGen allele CA554946.
Genomic context (GRCh38, chr1:5,986,181, plus strand): 5'-ATAACACGCATTTGCTAACAGCACATTTTGTTACCTGCCTAATTACCGGTCCGTCCAGCC[A>G]CTTGAGGACACACTGGAATGCCGTGGATTCCTTCCAAGGCTGGCGCGCTCTCTGTGGGTG-3'
Protein context (NP_055917.1, residues 27-47): ESTAFQCVLK[Trp37Arg]LDGPVIRQGV